The following is an entry in ClinVar:

ClinVar aggregate classification (germline): Uncertain significance (1 of 4 stars; one submission).

Conditions:
Hajdu-Cheney syndrome (HJCYS). Also called: ACROOSTEOLYSIS WITH OSTEOPOROSIS AND CHANGES IN SKULL AND MANDIBLE; SERPENTINE FIBULA-POLYCYSTIC KIDNEY SYNDROME; Acroosteolysis dominant type. Identifiers: Orphanet 955, MedGen C0917715, MONDO:0007057, OMIM 102500.

Allele frequency attached by ClinVar (database versions not stated): gnomAD exomes below 0.00001; ExAC 0.00001; gnomAD 0.00001; TOPMed 0.00001.

Submission:

Labcorp Genetics (formerly Invitae), Labcorp
Classification: Uncertain significance for Hajdu-Cheney syndrome. Last evaluated: 2022-07-12. Review status: criteria provided, single submitter. Criteria: Invitae Variant Classification Sherloc (09022015). Collection method: clinical testing. Allele origin: germline.
Comment: In summary, the available evidence is currently insufficient to determine the role of this variant in disease. Therefore, it has been classified as a Variant of Uncertain Significance. Advanced modeling of protein sequence and biophysical properties (such as structural, functional, and spatial information, amino acid conservation, physicochemical variation, residue mobility, and thermodynamic stability) performed at Invitae indicates that this missense variant is not expected to disrupt NOTCH2 protein function. This variant has not been reported in the literature in individuals affected with NOTCH2-related conditions. This variant is present in population databases (rs782503548, gnomAD 0.003%). This sequence change replaces aspartic acid, which is acidic and polar, with asparagine, which is neutral and polar, at codon 1151 of the NOTCH2 protein (p.Asp1151Asn).

NM_024408.4(NOTCH2):c.3451G>A (p.Asp1151Asn)

Gene: NOTCH2 (notch receptor 2; minus strand). Cytogenetic location: 1p12.
Variant type: single nucleotide variant.
Coding change: c.3451G>A on transcript NM_024408.4 (MANE Select); coding-DNA position 3451, G replaced by A.
Protein change: p.Asp1151Asn; replaces aspartic acid 1151 with asparagine.
Molecular consequence: missense variant.
Genome position (GRCh38, 1-based): chr1:119,937,353, C>T on the plus strand (G>A on the coding strand, the complement: NOTCH2 is on the minus strand). VCF-style: chr1-119937353-C-T. GRCh37 (hg19) VCF-style: chr1-120479976-C-T.
Other names: c.3451G>A, p.Asp1151Asn (NM_001200001.2); short protein forms D1151N.
Identifiers: ClinVar variation 1947314 (VCV001947314.5), dbSNP rs782503548, ClinGen allele CA1040064.
Genomic context (GRCh38, chr1:119,937,353, plus strand): 5'-ATCCACCAATGAAGTCACTGCATGTTGCCCCGTGCTGGCAGGGGTTGGACGCACACTCAT[C>T]GAGTTGCTCCTCACAGTAGCTCCCAGTATAGCCCAGGGGGCACTGACAGTAATGCGTGTT-3'
Protein context (NP_077719.2, residues 1141-1161): YTGSYCEEQL[Asp1151Asn]ECASNPCQHG